The following is an entry in ClinVar:

ClinVar aggregate classification (germline): Uncertain significance (1 of 4 stars; one submission).

Conditions:
Arrhythmogenic right ventricular cardiomyopathy (ARVD). Also called: Arrhythmogenic right ventricular dysplasia; Cardiomyopathy, ARVC; Arrhythmogenic cardiomyopathy; Arrhythmogenic Right Ventricular Cardiomyopathy (ARVC). Identifiers: Orphanet 247, MedGen C0349788, MeSH D019571, MONDO:0016587. Disease mechanism: loss of function. Inheritance: Various modes of inheritance.

Allele frequency attached by ClinVar (database versions not stated): gnomAD exomes below 0.00001.
gnomAD v4.1: 1 of 1,613,840 alleles (0.000062%); highest among the groups gnomAD compares: Non-Finnish European, 0.000085%; no homozygotes.

Submission:

All of Us Research Program, National Institutes of Health
Classification: Uncertain significance for Arrhythmogenic right ventricular cardiomyopathy. Last evaluated: 2024-01-11. Review status: criteria provided, single submitter. Criteria: ACMG Guidelines, 2015. Collection method: clinical testing. Allele origin: germline. Inheritance: Autosomal dominant inheritance. Observed: 1 variant allele, 1 heterozygote.
Comment: This study involves interpretation of variants in research participants for the purpose of population health screening. Participant phenotype was not available at the time of variant classification. Additional details can be found in publication PMID: 35346344, PMCID: PMC8962531

NM_001005242.3(PKP2):c.1072A>G (p.Ser358Gly)

Gene: PKP2 (plakophilin 2; minus strand). Cytogenetic location: 12p11.21.
Variant type: single nucleotide variant.
Coding change: c.1072A>G on transcript NM_001005242.3 (MANE Select); coding-DNA position 1072, A replaced by G.
Protein change: p.Ser358Gly; replaces serine 358 with glycine.
Molecular consequence: missense variant.
Genome position (GRCh38, 1-based): chr12:32,869,025, T>C on the plus strand (A>G on the coding strand, the complement: PKP2 is on the minus strand). VCF-style: chr12-32869025-T-C. GRCh37 (hg19) VCF-style: chr12-33021959-T-C.
Other names: c.1072A>G, p.Ser358Gly (NM_001407155.1, NM_001407156.1, NM_001407157.1 and 2 more transcripts); c.745A>G, p.Ser249Gly (NM_001407158.1, NM_001407159.1, NM_001407160.1 and 1 more transcripts); short protein forms S249G, S358G.
Identifiers: ClinVar variation 3075322 (VCV003075322.1), dbSNP rs2541322497, ClinGen allele CA384359752.
Genomic context (GRCh38, chr12:32,869,025, plus strand): 5'-GTATGAAAGTAGCTGCAGCAGAAATCCTGGATGGCAGCATGTGGTCTGCCTCGAGCATAC[T>C]CACTGCTCGCTCCAGAGTCATCTCCATGTCTGCATTCCTAGACAAACAGGCACAGATTCA-3'
Protein context (NP_001005242.2, residues 348-368): DMEMTLERAV[Ser358Gly]MLEADHMLPS